The following is an entry in ClinVar:

NM_001205293.3(CACNA1E):c.3423-4G>A

Gene: CACNA1E (calcium voltage-gated channel subunit alpha1 E; plus strand). Cytogenetic location: 1q25.3.
Variant type: single nucleotide variant.
Coding change: c.3423-4G>A on transcript NM_001205293.3 (MANE Select); 4 bases into the intron before coding-DNA position 3423, G replaced by A.
Molecular consequence: intron variant.
Genome position (GRCh38, 1-based): chr1:181,737,521, G>A. VCF-style: chr1-181737521-G-A. GRCh37 (hg19) VCF-style: chr1-181706657-G-A.
Other names: c.3423-4G>A (NM_000721.4); c.3366-4G>A (NM_001205294.2).
Identifiers: ClinVar variation 1929899 (VCV001929899.29), dbSNP rs1212405193, ClinGen allele CA527222833.

ClinVar aggregate classification (germline): Conflicting classifications of pathogenicity. Review status: criteria provided, conflicting classifications (1 of 4 stars). 2 submissions from 2 submitters: Uncertain significance (1); Likely benign (1). Last evaluated 2025-11-17.

Allele frequency attached by ClinVar (database versions not stated): gnomAD 0.00001; TOPMed 0.00001.
gnomAD v4.1: 17 of 1,613,396 alleles (0.0011%); highest among the groups gnomAD compares: East Asian, 0.0022%; no homozygotes.

Submissions (2):

Labcorp Genetics (formerly Invitae), Labcorp
Classification: Likely benign. Last evaluated: 2025-11-17. Review status: criteria provided, single submitter. Criteria: Invitae Variant Classification Sherloc (09022015). Collection method: clinical testing. Allele origin: germline.

CeGaT Center for Human Genetics Tuebingen
Classification: Uncertain significance. Last evaluated: 2022-09-01. Review status: criteria provided, single submitter. Criteria: CeGaT Center For Human Genetics Tuebingen Variant Classification Criteria Version 2. Collection method: clinical testing. Allele origin: germline. Affected: yes. Observed: 1 variant allele.
Comment: CACNA1E: PM2:Supporting, BP4